The following is an entry in ClinVar:

NM_005120.3(MED12):c.2516A>G (p.Tyr839Cys)

Gene: MED12 (mediator complex subunit 12; plus strand). Cytogenetic location: Xq13.1.
Variant type: single nucleotide variant.
Coding change: c.2516A>G on transcript NM_005120.3 (MANE Select); coding-DNA position 2516, A replaced by G.
Protein change: p.Tyr839Cys; replaces tyrosine 839 with cysteine.
Molecular consequence: missense variant.
Genome position (GRCh38, 1-based): chrX:71,126,129, A>G. VCF-style: chrX-71126129-A-G. GRCh37 (hg19) VCF-style: chrX-70345979-A-G.
Other names: short protein forms Y839C.
Identifiers: ClinVar variation 1700445 (VCV001700445.2), dbSNP rs2147795814, ClinGen allele CA413515602.

ClinVar aggregate classification (germline): Uncertain significance (1 of 4 stars; one submission).

Submission:

GeneDx
Classification: Uncertain significance. Last evaluated: 2022-02-08. Review status: criteria provided, single submitter. Criteria: GeneDx Variant Classification Process June 2021. Collection method: clinical testing. Allele origin: germline. Affected: yes.
Comment: Has not been previously published as pathogenic or benign to our knowledge; Not observed at significant frequency in large population cohorts (gnomAD); In silico analysis supports that this missense variant has a deleterious effect on protein structure/function